The following is an entry in ClinVar:

NM_181741.4(ORC4):c.767_770del (p.Leu256fs)

Gene: ORC4 (origin recognition complex subunit 4; minus strand). Cytogenetic location: 2q23.1.
Variant type: Microsatellite.
Coding change: c.767_770del on transcript NM_181741.4 (MANE Select); coding-DNA positions 767 to 770, 4 bases deleted (TCTC; older notation c.767_770delTCTC).
Protein change: p.Leu256fs; shifts the reading frame from leucine 256.
Molecular consequence: frameshift variant.
Genome position (GRCh38, 1-based): chr2:147,943,515-147,943,518, GAGA deleted on the plus strand (TCTC on the coding strand, the reverse complement: ORC4 is on the minus strand); deleting any 4 consecutive bases within chr2:147,943,515-147,943,520 gives the same sequence; the c. name uses the placement nearest the transcript's 3' end. VCF-style (leftmost placement, unchanged base first): chr2-147943514-TGAGA-T. GRCh37 (hg19) VCF-style: chr2-148701083-TGAGA-T.
Other names: c.545_548del, p.Leu182fs (NM_001190882.3); c.767_770del, p.Leu256fs (NM_001374270.1, NM_002552.5, NM_001190879.3); c.515_518del, p.Leu172fs (NM_001374272.1, NM_001190881.3); c.765_766TC[1], p.Leu256Glnfs (NM_181742.5); short protein forms L172fs, L256fs, L182fs.
Identifiers: ClinVar variation 2193180 (VCV002193180.4), dbSNP rs1558831442, ClinGen allele CA536624677.

ClinVar aggregate classification (germline): Pathogenic (1 of 4 stars; one submission).

Submission:

Labcorp Genetics (formerly Invitae), Labcorp
Classification: Pathogenic. Last evaluated: 2022-06-25. Review status: criteria provided, single submitter. Criteria: Invitae Variant Classification Sherloc (09022015). Collection method: clinical testing. Allele origin: germline.
Comment: This sequence change creates a premature translational stop signal (p.Leu256Glnfs*27) in the ORC4 gene. It is expected to result in an absent or disrupted protein product. Loss-of-function variants in ORC4 are known to be pathogenic (PMID: 21358631, 21358632, 22333897). This variant is present in population databases (no rsID available, gnomAD 0.003%). This variant has not been reported in the literature in individuals affected with ORC4-related conditions. For these reasons, this variant has been classified as Pathogenic.

Literature cited by the submitters: PubMed 21358631; PubMed 21358632; PubMed 22333897.